The following is an entry in ClinVar:

NM_002224.4(ITPR3):c.1353G>T (p.Met451Ile)

Gene: ITPR3 (inositol 1,4,5-trisphosphate receptor type 3; plus strand). Cytogenetic location: 6p21.31.
Variant type: single nucleotide variant.
Coding change: c.1353G>T on transcript NM_002224.4 (MANE Select); coding-DNA position 1353, G replaced by T.
Protein change: p.Met451Ile; replaces methionine 451 with isoleucine.
Molecular consequence: missense variant.
Genome position (GRCh38, 1-based): chr6:33,665,157, G>T. VCF-style: chr6-33665157-G-T. GRCh37 (hg19) VCF-style: chr6-33632934-G-T.
Other names: short protein forms M451I.
Identifiers: ClinVar variation 5019238 (VCV005019238.2).

ClinVar aggregate classification (germline): Uncertain significance (1 of 4 stars; one submission).

Conditions:
Immunodeficiency 133 with ectodermal dysplasia with or without peripheral neuropathy. Identifiers: MedGen C6012744, MONDO:0979570, OMIM 621254.
Charcot-Marie-Tooth disease, demyelinating, type 1J. Also called: CHARCOT-MARIE-TOOTH NEUROPATHY, DEMYELINATING, TYPE 1J. Identifiers: MedGen C5774249, MONDO:0859311, OMIM 620111.

Submission:

Juno Genomics, Hangzhou Juno Genomics, Inc
Classification: Uncertain significance for Charcot-Marie-Tooth disease, demyelinating, type 1J; Immunodeficiency 133 with ectodermal dysplasia with or without peripheral neuropathy. Review status: criteria provided, single submitter. Criteria: ACMG Guidelines, 2015. Collection method: clinical testing. Allele origin: germline.
Comment: Absent from controls (or at extremely low frequency if recessive) in Genome Aggregation Database.;Missense variant in a gene that has a low rate of benign missense variation.